The following is an entry in ClinVar:

NM_177438.3(DICER1):c.2677G>T (p.Asp893Tyr)

Gene: DICER1 (dicer 1, ribonuclease III; minus strand). Cytogenetic location: 14q32.13.
Variant type: single nucleotide variant.
Coding change: c.2677G>T on transcript NM_177438.3 (MANE Select); coding-DNA position 2677, G replaced by T.
Protein change: p.Asp893Tyr; replaces aspartic acid 893 with tyrosine.
Molecular consequence: missense variant. On other transcripts: non-coding transcript variant (6).
Genome position (GRCh38, 1-based): chr14:95,107,735, C>A on the plus strand (G>T on the coding strand, the complement: DICER1 is on the minus strand). VCF-style: chr14-95107735-C-A. GRCh37 (hg19) VCF-style: chr14-95574072-C-A.
Other names: c.2677G>T, p.Asp893Tyr (NM_001195573.1, NM_001271282.3, NM_001291628.2 and 13 more transcripts); c.2395G>T, p.Asp799Tyr (NM_001395686.1); c.2272G>T, p.Asp758Tyr (NM_001395687.1, NM_001395688.1, NM_001395689.1 and 2 more transcripts); c.2110G>T, p.Asp704Tyr (NM_001395691.1); c.994G>T, p.Asp332Tyr (NM_001395697.1); short protein forms D704Y, D332Y, D758Y, D893Y, D799Y.
Identifiers: ClinVar variation 1794622 (VCV001794622.3), dbSNP rs2140020315, ClinGen allele CA390879792.

ClinVar aggregate classification (germline): Uncertain significance (1 of 4 stars; one submission).

Conditions:
Hereditary cancer-predisposing syndrome. Also called: Tumor predisposition; Hereditary Cancer Syndrome; Neoplastic Syndromes, Hereditary; Hereditary neoplastic syndrome. Identifiers: Orphanet 140162, MedGen C0027672, MeSH D009386, MONDO:0015356.

Submission:

Ambry Genetics
Classification: Uncertain significance for Hereditary cancer-predisposing syndrome. Last evaluated: 2024-09-14. Review status: criteria provided, single submitter. Criteria: Ambry Variant Classification Scheme 2023. Collection method: clinical testing. Allele origin: germline.
Comment: The p.D893Y variant (also known as c.2677G>T), located in coding exon 16 of the DICER1 gene, results from a G to T substitution at nucleotide position 2677. The aspartic acid at codon 893 is replaced by tyrosine, an amino acid with highly dissimilar properties. This amino acid position is conserved. In addition, this alteration is predicted to be deleterious by in silico analysis. Since supporting evidence is limited at this time, the clinical significance of this alteration remains unclear.